The following is an entry in ClinVar:

NM_000520.6(HEXA):c.254-2A>G

Gene: HEXA (hexosaminidase subunit alpha; minus strand). Cytogenetic location: 15q23.
Variant type: single nucleotide variant.
Coding change: c.254-2A>G on transcript NM_000520.6 (MANE Select); the canonical splice acceptor site of the intron before coding-DNA position 254, A replaced by G.
Molecular consequence: splice acceptor variant. On other transcripts: synonymous variant (1).
Genome position (GRCh38, 1-based): chr15:72,356,619, T>C on the plus strand (A>G on the coding strand, the complement: HEXA is on the minus strand). VCF-style: chr15-72356619-T-C. GRCh37 (hg19) VCF-style: chr15-72648960-T-C.
Other names: c.285A>G, p.Leu95= (NM_001318825.2).
Identifiers: ClinVar variation 943638 (VCV000943638.8), dbSNP rs2088785868, ClinGen allele CA393067706.

ClinVar aggregate classification (germline): Likely pathogenic (1 of 4 stars; one submission).

Conditions:
Tay-Sachs disease (TSD). Also called: HEXA DEFICIENCY; GM2 gangliosidosis, type 1; Hexosaminidase alpha-subunit deficiency (variant B); Sphingolipidosis, Tay-Sachs; HEXA Disorders; Hexosaminidase A Deficiency. Identifiers: Orphanet 845, MedGen C0039373, MONDO:0010100, OMIM 272800.

Submission:

Labcorp Genetics (formerly Invitae), Labcorp
Classification: Likely pathogenic for Tay-Sachs disease. Last evaluated: 2019-10-16. Review status: criteria provided, single submitter. Criteria: Invitae Variant Classification Sherloc (09022015). Collection method: clinical testing. Allele origin: germline.
Comment: In summary, the currently available evidence indicates that the variant is pathogenic, but additional data are needed to prove that conclusively. Therefore, this variant has been classified as Likely Pathogenic. Donor and acceptor splice site variants typically lead to a loss of protein function (PMID: 16199547), and loss-of-function variants in HEXA are known to be pathogenic (PMID: 1833974, 8490625). Algorithms developed to predict the effect of sequence changes on RNA splicing suggest that this variant may disrupt the consensus splice site, but this prediction has not been confirmed by published transcriptional studies. This variant has not been reported in the literature in individuals with HEXA-related conditions. This variant is not present in population databases (ExAC no frequency). This sequence change affects an acceptor splice site in intron 1 of the HEXA gene. It is expected to disrupt RNA splicing and likely results in an absent or disrupted protein product.

Literature cited by the submitters: PubMed 16199547; PubMed 1833974; PubMed 8490625.